The following is an entry in ClinVar:

NM_020975.6(RET):c.3175A>T (p.Asn1059Tyr)

Gene: RET (ret proto-oncogene; plus strand). Cytogenetic location: 10q11.21.
Variant type: single nucleotide variant.
Coding change: c.3175A>T on transcript NM_020975.6 (MANE Select); coding-DNA position 3175, A replaced by T.
Protein change: p.Asn1059Tyr; replaces asparagine 1059 with tyrosine.
Molecular consequence: missense variant. On other transcripts: intron variant (4).
Genome position (GRCh38, 1-based): chr10:43,126,710, A>T. VCF-style: chr10-43126710-A-T. GRCh37 (hg19) VCF-style: chr10-43622158-A-T.
Other names: c.2413A>T, p.Asn805Tyr (NM_001355216.2); c.3175A>T, p.Asn1059Tyr (NM_001406743.1, NM_001406744.1, NM_020630.7); c.3046A>T, p.Asn1016Tyr (NM_001406761.1, NM_001406762.1, NM_001406764.1); c.3040A>T, p.Asn1014Tyr (NM_001406763.1, NM_001406765.1); c.2887A>T, p.Asn963Tyr (NM_001406766.1, NM_001406767.1, NM_001406770.1); c.2911A>T, p.Asn971Tyr (NM_001406768.1); c.2779A>T, p.Asn927Tyr (NM_001406769.1, NM_001406772.1); c.2737A>T, p.Asn913Tyr (NM_001406771.1, NM_001406773.1); and 13 more; short protein forms N576Y, N1016Y, N1059Y, N664Y, N805Y, N884Y, N913Y, N1014Y.
Identifiers: ClinVar variation 3712920 (VCV003712920.3).

ClinVar aggregate classification (germline): Uncertain significance. Review status: criteria provided, multiple submitters, no conflicts (2 of 4 stars). 2 submissions from 2 submitters: Uncertain significance (2). Last evaluated 2025-11-13.

Conditions:
Hereditary cancer-predisposing syndrome. Also called: Hereditary neoplastic syndrome; Neoplastic Syndromes, Hereditary; Hereditary Cancer Syndrome; Tumor predisposition. Identifiers: Orphanet 140162, MedGen C0027672, MeSH D009386, MONDO:0015356.
Multiple endocrine neoplasia, type 2 (MEN2). Identifiers: Orphanet 653, MedGen C4048306, MONDO:0019003. Disease mechanism: gain of function.

gnomAD v4.1: 1 of 1,613,948 alleles (0.000062%); highest among the groups gnomAD compares: Non-Finnish European, 0.000085%; no homozygotes.

Submissions (2):

Labcorp Genetics (formerly Invitae), Labcorp
Classification: Uncertain significance for Multiple endocrine neoplasia, type 2. Last evaluated: 2025-11-13. Review status: criteria provided, single submitter. Criteria: Invitae Variant Classification Sherloc (09022015). Collection method: clinical testing. Allele origin: germline.
Comment: This sequence change replaces asparagine, which is neutral and polar, with tyrosine, which is neutral and polar, at codon 1059 of the RET protein (p.Asn1059Tyr). This variant is not present in population databases (gnomAD no frequency). This variant has not been reported in the literature in individuals affected with RET-related conditions. ClinVar contains an entry for this variant (Variation ID: 3712920). An algorithm developed to predict the effect of missense changes on protein structure and function (PolyPhen-2) suggests that this variant is likely to be disruptive. In summary, the available evidence is currently insufficient to determine the role of this variant in disease. Therefore, it has been classified as a Variant of Uncertain Significance.

Ambry Genetics
Classification: Uncertain significance for Hereditary cancer-predisposing syndrome. Last evaluated: 2025-10-23. Review status: criteria provided, single submitter. Criteria: Ambry Variant Classification Scheme 2023. Collection method: clinical testing. Allele origin: germline.
Comment: The p.N1059Y variant (also known as c.3175A>T), located in coding exon 19 of the RET gene, results from an A to T substitution at nucleotide position 3175. The asparagine at codon 1059 is replaced by tyrosine, an amino acid with dissimilar properties. This amino acid position is conserved. In addition, this alteration is predicted to be deleterious by in silico analysis. Based on the available evidence, the clinical significance of this variant remains unclear.